The following is an entry in ClinVar:

ClinVar aggregate classification (germline): Conflicting classifications of pathogenicity. Review status: criteria provided, conflicting classifications (1 of 4 stars). 2 submissions from 2 submitters: Likely pathogenic (1); Uncertain significance (1). Last evaluated 2024-04-16.

Conditions:
TBX20-related disorder. Also called: TBX20-related condition.

Submissions (2):

Labcorp Genetics (formerly Invitae), Labcorp
Classification: Uncertain significance. Last evaluated: 2024-04-16. Review status: criteria provided, single submitter. Criteria: Invitae Variant Classification Sherloc (09022015). Collection method: clinical testing. Allele origin: germline.
Comment: This sequence change creates a premature translational stop signal (p.Val300Glyfs*27) in the TBX20 gene. While this is not anticipated to result in nonsense mediated decay, it is expected to disrupt the last 148 amino acid(s) of the TBX20 protein. This variant is not present in population databases (gnomAD no frequency). This premature translational stop signal has been observed in individual(s) with left ventricular noncompaction (PMID: 28798025). This variant is also known as p.300_300del. Experimental studies and prediction algorithms are not available or were not evaluated, and the functional significance of this variant is currently unknown. In summary, the available evidence is currently insufficient to determine the role of this variant in disease. Therefore, it has been classified as a Variant of Uncertain Significance.

Blueprint Genetics
Classification: Likely pathogenic for TBX20-related disorders. Last evaluated: 2021-07-28. Review status: criteria provided, single submitter. Criteria: ACMG Guidelines, 2015. Collection method: clinical testing. Allele origin: germline. Affected: yes. Observed: 4 variant alleles.

Literature cited by the submitters: PubMed 28798025 (cited by Labcorp Genetics (formerly Invitae), Labcorp).

NM_001077653.2(TBX20):c.899_900del (p.Val300fs)

Gene: TBX20 (T-box transcription factor 20; minus strand). Cytogenetic location: 7p14.2.
Variant type: Microsatellite.
Coding change: c.899_900del on transcript NM_001077653.2 (MANE Select); coding-DNA positions 899 to 900, 2 bases deleted (TG; older notation c.899_900delTG).
Protein change: p.Val300fs; shifts the reading frame from valine 300.
Molecular consequence: frameshift variant.
Genome position (GRCh38, 1-based): chr7:35,204,573-35,204,574, CA deleted on the plus strand (TG on the coding strand, the reverse complement: TBX20 is on the minus strand); deleting any 2 consecutive bases within chr7:35,204,573-35,204,577 gives the same sequence; the c. name uses the placement nearest the transcript's 3' end. VCF-style (leftmost placement, unchanged base first): chr7-35204572-CCA-C. GRCh37 (hg19) VCF-style: chr7-35244184-CCA-C.
Other names: short protein forms V300fs.
Identifiers: ClinVar variation 3720732 (VCV003720732.3).